The following is an entry in ClinVar:

ClinVar aggregate classification (germline): Uncertain significance (1 of 4 stars; one submission).

Allele frequency attached by ClinVar (database versions not stated): ExAC 0.00001; gnomAD exomes 0.00001.
gnomAD v4.1: 18 of 1,613,880 alleles (0.0011%); highest among the groups gnomAD compares: Non-Finnish European, 0.0014%; no homozygotes.

Submission:

Labcorp Genetics (formerly Invitae), Labcorp
Classification: Uncertain significance. Last evaluated: 2022-08-16. Review status: criteria provided, single submitter. Criteria: Invitae Variant Classification Sherloc (09022015). Collection method: clinical testing. Allele origin: germline.
Comment: This variant has not been reported in the literature in individuals affected with LAMA1-related conditions. This variant is present in population databases (rs754414018, gnomAD 0.002%). In summary, the available evidence is currently insufficient to determine the role of this variant in disease. Therefore, it has been classified as a Variant of Uncertain Significance. Algorithms developed to predict the effect of missense changes on protein structure and function (SIFT, PolyPhen-2, Align-GVGD) all suggest that this variant is likely to be tolerated. ClinVar contains an entry for this variant (Variation ID: 1502632). This sequence change replaces arginine, which is basic and polar, with tryptophan, which is neutral and slightly polar, at codon 949 of the LAMA1 protein (p.Arg949Trp).

NM_005559.4(LAMA1):c.2845C>T (p.Arg949Trp)

Gene: LAMA1 (laminin subunit alpha 1; minus strand). Cytogenetic location: 18p11.31.
Variant type: single nucleotide variant.
Coding change: c.2845C>T on transcript NM_005559.4 (MANE Select); coding-DNA position 2845, C replaced by T.
Protein change: p.Arg949Trp; replaces arginine 949 with tryptophan.
Molecular consequence: missense variant.
Genome position (GRCh38, 1-based): chr18:7,016,635, G>A on the plus strand (C>T on the coding strand, the complement: LAMA1 is on the minus strand). VCF-style: chr18-7016635-G-A. GRCh37 (hg19) VCF-style: chr18-7016634-G-A.
Other names: short protein forms R949W.
Identifiers: ClinVar variation 1502632 (VCV001502632.8), dbSNP rs754414018, ClinGen allele CA8882484.